The following is an entry in ClinVar:

NM_004370.6(COL12A1):c.4310C>T (p.Thr1437Ile)

Gene: COL12A1 (collagen type XII alpha 1 chain; minus strand). Cytogenetic location: 6q13.
Variant type: single nucleotide variant.
Coding change: c.4310C>T on transcript NM_004370.6 (MANE Select); coding-DNA position 4310, C replaced by T.
Protein change: p.Thr1437Ile; replaces threonine 1437 with isoleucine.
Molecular consequence: missense variant.
Genome position (GRCh38, 1-based): chr6:75,147,782, G>A on the plus strand (C>T on the coding strand, the complement: COL12A1 is on the minus strand). VCF-style: chr6-75147782-G-A. GRCh37 (hg19) VCF-style: chr6-75857498-G-A.
Other names: c.4310C>T, p.Thr1437Ile (NM_001424113.1, NM_001424114.1); c.4037C>T, p.Thr1346Ile (NM_001424115.1); c.818C>T, p.Thr273Ile (NM_001424116.1, NM_080645.3); short protein forms T1346I, T1437I, T273I.
Identifiers: ClinVar variation 3758364 (VCV003758364.2).

ClinVar aggregate classification (germline): Uncertain significance (1 of 4 stars; one submission).

Conditions:
Ullrich congenital muscular dystrophy 2 (UCMD2). Identifiers: Orphanet 75840, MedGen C4225314, MONDO:0014654, OMIM 616470.
Bethlem myopathy 2 (BTHLM2). Identifiers: Orphanet 536516, Orphanet 610, MedGen C4225313, MONDO:0034022, OMIM 616471.

Submission:

Labcorp Genetics (formerly Invitae), Labcorp
Classification: Uncertain significance for Bethlem myopathy 2; Ullrich congenital muscular dystrophy 2. Last evaluated: 2024-10-03. Review status: criteria provided, single submitter. Criteria: Invitae Variant Classification Sherloc (09022015). Collection method: clinical testing. Allele origin: germline.
Comment: This sequence change replaces threonine, which is neutral and polar, with isoleucine, which is neutral and non-polar, at codon 1437 of the COL12A1 protein (p.Thr1437Ile). This variant is not present in population databases (gnomAD no frequency). This variant has not been reported in the literature in individuals affected with COL12A1-related conditions. Invitae Evidence Modeling of protein sequence and biophysical properties (such as structural, functional, and spatial information, amino acid conservation, physicochemical variation, residue mobility, and thermodynamic stability) indicates that this missense variant is not expected to disrupt COL12A1 protein function with a negative predictive value of 80%. In summary, the available evidence is currently insufficient to determine the role of this variant in disease. Therefore, it has been classified as a Variant of Uncertain Significance.